The following is an entry in ClinVar:

ClinVar aggregate classification (germline): Likely benign. Review status: criteria provided, multiple submitters, no conflicts (2 of 4 stars). 4 submissions from 4 submitters: Likely benign (4). Last evaluated 2025-02-09.

Conditions:
Cardiovascular phenotype. Identifiers: MedGen CN230736.
Cardiomyopathy (CMYO). Also called: Cardiomyopathies. Identifiers: Orphanet 167848, MedGen C0878544, MONDO:0004994, HP:0001638. Inheritance: Various modes of inheritance.
Hypertrophic cardiomyopathy. Also called: HYPERTROPHIC MYOCARDIOPATHY. Identifiers: Orphanet 217569, MedGen C0007194, MeSH D002312, MONDO:0005045, HP:0001639.

Allele frequency attached by ClinVar (database versions not stated): TOPMed below 0.00001; gnomAD 0.00001; gnomAD exomes 0.00001.
gnomAD v4.1: 17 of 1,613,924 alleles (0.0011%); highest among the groups gnomAD compares: Middle Eastern, 0.017%; no homozygotes.

Submissions (4):

Labcorp Genetics (formerly Invitae), Labcorp
Classification: Likely benign for Hypertrophic cardiomyopathy. Last evaluated: 2025-02-09. Review status: criteria provided, single submitter. Criteria: Invitae Variant Classification Sherloc (09022015). Collection method: clinical testing. Allele origin: germline.

All of Us Research Program, National Institutes of Health
Classification: Likely benign for Cardiomyopathy. Last evaluated: 2024-08-13. Review status: criteria provided, single submitter. Criteria: ACMG Guidelines, 2015. Collection method: clinical testing. Allele origin: germline. Inheritance: Autosomal dominant inheritance. Observed: 5 variant alleles, 5 heterozygotes.
Comment: This study involves interpretation of variants in research participants for the purpose of population health screening. Participant phenotype was not available at the time of variant classification. Additional details can be found in publication PMID: 35346344, PMCID: PMC8962531

Color Diagnostics, LLC DBA Color Health
Classification: Likely benign for Cardiomyopathy. Last evaluated: 2019-07-09. Review status: criteria provided, single submitter. Criteria: ACMG Guidelines, 2015. Collection method: clinical testing. Allele origin: germline.

Ambry Genetics
Classification: Likely benign for Cardiovascular phenotype. Last evaluated: 2016-12-08. Review status: criteria provided, single submitter. Criteria: Ambry Variant Classification Scheme 2023. Collection method: clinical testing. Allele origin: germline.

NM_000257.4(MYH7):c.453G>A (p.Pro151=)

Gene: MYH7 (myosin heavy chain 7; minus strand). Cytogenetic location: 14q11.2.
Variant type: single nucleotide variant.
Coding change: c.453G>A on transcript NM_000257.4 (MANE Select); coding-DNA position 453, G replaced by A.
Protein change: p.Pro151=; no amino-acid change (proline 151 retained).
Molecular consequence: synonymous variant.
Genome position (GRCh38, 1-based): chr14:23,432,688, C>T on the plus strand (G>A on the coding strand, the complement: MYH7 is on the minus strand). VCF-style: chr14-23432688-C-T. GRCh37 (hg19) VCF-style: chr14-23901897-C-T.
Other names: c.453G>A (LRG_384t1).
Identifiers: ClinVar variation 518603 (VCV000518603.16), dbSNP rs777382773, ClinGen allele CA042823.